The following is an entry in ClinVar:

ClinVar aggregate classification (germline): Pathogenic (1 of 4 stars; one submission).

Submission:

Labcorp Genetics (formerly Invitae), Labcorp
Classification: Pathogenic. Last evaluated: 2024-07-15. Review status: criteria provided, single submitter. Criteria: Invitae Variant Classification Sherloc (09022015). Collection method: clinical testing. Allele origin: germline.
Comment: This sequence change creates a premature translational stop signal (p.Gly1274*) in the ERCC6 gene. It is expected to result in an absent or disrupted protein product. Loss-of-function variants in ERCC6 are known to be pathogenic (PMID: 18628313, 29572252). This variant is not present in population databases (gnomAD no frequency). This variant has not been reported in the literature in individuals affected with ERCC6-related conditions. For these reasons, this variant has been classified as Pathogenic.

Literature cited by the submitters: PubMed 18628313; PubMed 29572252.

NM_000124.4(ERCC6):c.3820G>T (p.Gly1274Ter)

Gene: ERCC6 (ERCC excision repair 6, chromatin remodeling factor; minus strand). Cytogenetic location: 10q11.23.
Variant type: single nucleotide variant.
Coding change: c.3820G>T on transcript NM_000124.4 (MANE Select); coding-DNA position 3820, G replaced by T.
Protein change: p.Gly1274Ter; replaces glycine 1274 with a stop codon.
Molecular consequence: nonsense.
Genome position (GRCh38, 1-based): chr10:49,461,515, C>A on the plus strand (G>T on the coding strand, the complement: ERCC6 is on the minus strand). VCF-style: chr10-49461515-C-A. GRCh37 (hg19) VCF-style: chr10-50669561-C-A.
Other names: c.3820G>T, p.Gly1274Ter (NM_001346440.2); short protein forms G1274*.
Identifiers: ClinVar variation 2695042 (VCV002695042.3), dbSNP rs2495949965, ClinGen allele CA376708611.